The following is an entry in ClinVar:

ClinVar aggregate classification (germline): Uncertain significance (1 of 4 stars; one submission).

Conditions:
Baller-Gerold syndrome (BGS). Also called: CRANIOSYNOSTOSIS WITH RADIAL DEFECTS. Identifiers: Orphanet 1225, MedGen C0265308, MONDO:0009039, OMIM 218600.

Submission:

Labcorp Genetics (formerly Invitae), Labcorp
Classification: Uncertain significance for Baller-Gerold syndrome. Last evaluated: 2020-09-05. Review status: criteria provided, single submitter. Criteria: Invitae Variant Classification Sherloc (09022015). Collection method: clinical testing. Allele origin: germline.
Comment: In summary, the available evidence is currently insufficient to determine the role of this variant in disease. Therefore, it has been classified as a Variant of Uncertain Significance. Experimental studies and prediction algorithms are not available or were not evaluated, and the functional significance of this variant is currently unknown. This variant has not been reported in the literature in individuals with RECQL4-related conditions. This variant is not present in population databases (ExAC no frequency). This sequence change replaces glutamine with proline at codon 1138 of the RECQL4 protein (p.Gln1138Pro). The glutamine residue is highly conserved and there is a moderate physicochemical difference between glutamine and proline.

NM_004260.4(RECQL4):c.3413A>C (p.Gln1138Pro)

Gene: RECQL4 (RecQ like helicase 4; minus strand). Cytogenetic location: 8q24.3.
Variant type: single nucleotide variant.
Coding change: c.3413A>C on transcript NM_004260.4 (MANE Select); coding-DNA position 3413, A replaced by C.
Protein change: p.Gln1138Pro; replaces glutamine 1138 with proline.
Molecular consequence: missense variant.
Genome position (GRCh38, 1-based): chr8:144,511,770, T>G on the plus strand (A>C on the coding strand, the complement: RECQL4 is on the minus strand). VCF-style: chr8-144511770-T-G. GRCh37 (hg19) VCF-style: chr8-145737153-T-G.
Other names: short protein forms Q1138P.
Identifiers: ClinVar variation 1004085 (VCV001004085.3), dbSNP rs1554895884, ClinGen allele CA372667441.
Genomic context (GRCh38, chr8:144,511,770, plus strand): 5'-CTGCTGGAGAACTTCTCCTCTGGCCTCAGGGACAGGAACTGGCGGATGTCGCAGCGGACC[T>G]GGTCCTCCCAATCCTGGAGCTGTGTGGACAGGCACATCAGGCTTCCTCTGAGCTCCCGTG-3'
Protein context (NP_004251.4, residues 1128-1148): GQARLQDWED[Gln1138Pro]VRCDIRQFLS